The following is an entry in ClinVar:

NM_001376.5(DYNC1H1):c.3702G>T (p.Gln1234His)

Gene: DYNC1H1 (dynein cytoplasmic 1 heavy chain 1; plus strand). Cytogenetic location: 14q32.31.
Variant type: single nucleotide variant.
Coding change: c.3702G>T on transcript NM_001376.5 (MANE Select); coding-DNA position 3702, G replaced by T.
Protein change: p.Gln1234His; replaces glutamine 1234 with histidine.
Molecular consequence: missense variant.
Genome position (GRCh38, 1-based): chr14:101,997,172, G>T. VCF-style: chr14-101997172-G-T. GRCh37 (hg19) VCF-style: chr14-102463509-G-T.
Other names: short protein forms Q1234H.
Identifiers: ClinVar variation 4802047 (VCV004802047.1).
Genomic context (GRCh38, chr14:101,997,172, plus strand): 5'-CGAGGGAGAGTGGGGAGCCTTCAATGACATCATGCGGCGAAAGGACTCTGCCATTCAGCA[G>T]CAGGTGGCAAACCTGCAAATGAAGATTGTCCAGGAGGATCGGGCCGTGGAAAGCCGCACC-3'
Protein context (NP_001367.2, residues 1224-1244): IMRRKDSAIQ[Gln1234His]QVANLQMKIV

ClinVar aggregate classification (germline): Uncertain significance (1 of 4 stars; one submission).

Conditions:
Charcot-Marie-Tooth disease axonal type 2O. Also called: CHARCOT-MARIE-TOOTH NEUROPATHY, AXONAL, TYPE 2O; CHARCOT-MARIE-TOOTH DISEASE, AXONAL, AUTOSOMAL DOMINANT, TYPE 2O; Charcot-Marie-Tooth Neuropathy Type 2O; Charcot-Marie-Tooth disease, axonal, type 20. Identifiers: Orphanet 284232, MedGen C3280220, MONDO:0013644, OMIM 614228.

Submission:

Labcorp Genetics (formerly Invitae), Labcorp
Classification: Uncertain significance for Charcot-Marie-Tooth disease axonal type 2O. Last evaluated: 2025-02-19. Review status: criteria provided, single submitter. Criteria: Invitae Variant Classification Sherloc (09022015). Collection method: clinical testing. Allele origin: germline.
Comment: This sequence change replaces glutamine, which is neutral and polar, with histidine, which is basic and polar, at codon 1234 of the DYNC1H1 protein (p.Gln1234His). This variant is not present in population databases (gnomAD no frequency). This variant has not been reported in the literature in individuals affected with DYNC1H1-related conditions. Invitae Evidence Modeling of protein sequence and biophysical properties (such as structural, functional, and spatial information, amino acid conservation, physicochemical variation, residue mobility, and thermodynamic stability) has been performed for this missense variant. However, the output from this modeling did not meet the statistical confidence thresholds required to predict the impact of this variant on DYNC1H1 protein function. In summary, the available evidence is currently insufficient to determine the role of this variant in disease. Therefore, it has been classified as a Variant of Uncertain Significance.